The following is an entry in ClinVar:

NM_005883.3(APC2):c.1870C>T (p.His624Tyr)

Gene: APC2 (APC regulator of Wnt signaling pathway 2; plus strand). Cytogenetic location: 19p13.3.
Variant type: single nucleotide variant.
Coding change: c.1870C>T on transcript NM_005883.3 (MANE Select); coding-DNA position 1870, C replaced by T.
Protein change: p.His624Tyr; replaces histidine 624 with tyrosine.
Molecular consequence: missense variant.
Genome position (GRCh38, 1-based): chr19:1,465,171, C>T. VCF-style: chr19-1465171-C-T. GRCh37 (hg19) VCF-style: chr19-1465170-C-T.
Other names: c.1867C>T, p.His623Tyr (NM_001351273.1); short protein forms H623Y, H624Y.
Identifiers: ClinVar variation 2279479 (VCV002279479.4), dbSNP rs568275654, ClinGen allele CA304075038.

ClinVar aggregate classification (germline): Uncertain significance. Review status: criteria provided, multiple submitters, no conflicts (2 of 4 stars). 2 submissions from 2 submitters: Uncertain significance (2). Last evaluated 2024-12-04.

Conditions:
Inborn genetic diseases. Identifiers: MedGen C0950123, MeSH D030342.

Allele frequency attached by ClinVar (database versions not stated): gnomAD exomes below 0.00001; gnomAD 0.00001; TOPMed 0.00002; 1000 Genomes Project 30x 0.00016; 1000 Genomes Project 0.00020.
gnomAD v4.1: 6 of 1,603,114 alleles (0.00037%); highest among the groups gnomAD compares: East Asian, 0.0023%; no homozygotes.

Submissions (2):

Labcorp Genetics (formerly Invitae), Labcorp
Classification: Uncertain significance. Last evaluated: 2024-12-04. Review status: criteria provided, single submitter. Criteria: Invitae Variant Classification Sherloc (09022015). Collection method: clinical testing. Allele origin: germline.
Comment: This sequence change replaces histidine, which is basic and polar, with tyrosine, which is neutral and polar, at codon 624 of the APC2 protein (p.His624Tyr). The frequency data for this variant in the population databases is considered unreliable, as metrics indicate poor data quality at this position in the gnomAD database. This variant has not been reported in the literature in individuals affected with APC2-related conditions. ClinVar contains an entry for this variant (Variation ID: 2279479). Invitae Evidence Modeling of protein sequence and biophysical properties (such as structural, functional, and spatial information, amino acid conservation, physicochemical variation, residue mobility, and thermodynamic stability) indicates that this missense variant is expected to disrupt APC2 protein function with a positive predictive value of 80%. In summary, the available evidence is currently insufficient to determine the role of this variant in disease. Therefore, it has been classified as a Variant of Uncertain Significance.

Ambry Genetics
Classification: Uncertain significance for Inborn genetic diseases. Last evaluated: 2022-03-23. Review status: criteria provided, single submitter. Criteria: Ambry Variant Classification Scheme 2023. Collection method: clinical testing. Allele origin: germline.